The following is an entry in ClinVar:

NM_004380.3(CREBBP):c.3473G>C (p.Trp1158Ser)

Gene: CREBBP (CREB binding lysine acetyltransferase; minus strand). Cytogenetic location: 16p13.3.
Variant type: single nucleotide variant.
Coding change: c.3473G>C on transcript NM_004380.3 (MANE Select); coding-DNA position 3473, G replaced by C.
Protein change: p.Trp1158Ser; replaces tryptophan 1158 with serine.
Molecular consequence: missense variant.
Genome position (GRCh38, 1-based): chr16:3,757,945, C>G on the plus strand (G>C on the coding strand, the complement: CREBBP is on the minus strand). VCF-style: chr16-3757945-C-G. GRCh37 (hg19) VCF-style: chr16-3807946-C-G.
Other names: c.3359G>C, p.Trp1120Ser (NM_001079846.1); short protein forms W1120S, W1158S.
Identifiers: ClinVar variation 2745443 (VCV002745443.3), dbSNP rs2151383473, ClinGen allele CA394568857.
Genomic context (GRCh38, chr16:3,757,945, plus strand): 5'-CAAAACTTATAGACTCGGGATGTCTTGCGATTATAGAGCCAGGCATTGTTGAACATGAGC[C>G]AGACGTCGTCCACGTACTGCCAGGGCTCTTGGTATTGCCCTGTGTCCAGCTTCCGCTTGA-3'
Protein context (NP_004371.2, residues 1148-1168): QEPWQYVDDV[Trp1158Ser]LMFNNAWLYN

ClinVar aggregate classification (germline): Uncertain significance (1 of 4 stars; one submission).

Conditions:
Rubinstein-Taybi syndrome (RSTS). Identifiers: Orphanet 783, MedGen C0035934, MONDO:0019188.

Submission:

Labcorp Genetics (formerly Invitae), Labcorp
Classification: Uncertain significance for Rubinstein-Taybi syndrome. Last evaluated: 2023-07-20. Review status: criteria provided, single submitter. Criteria: Invitae Variant Classification Sherloc (09022015). Collection method: clinical testing. Allele origin: germline.
Comment: This sequence change replaces tryptophan, which is neutral and slightly polar, with serine, which is neutral and polar, at codon 1158 of the CREBBP protein (p.Trp1158Ser). This variant is not present in population databases (gnomAD no frequency). This variant has not been reported in the literature in individuals affected with CREBBP-related conditions. Advanced modeling of protein sequence and biophysical properties (such as structural, functional, and spatial information, amino acid conservation, physicochemical variation, residue mobility, and thermodynamic stability) performed at Invitae indicates that this missense variant is expected to disrupt CREBBP protein function. In summary, the available evidence is currently insufficient to determine the role of this variant in disease. Therefore, it has been classified as a Variant of Uncertain Significance.